The following is an entry in ClinVar:

ClinVar aggregate classification (germline): Pathogenic (1 of 4 stars; one submission).

Conditions:
Immunodeficiency-centromeric instability-facial anomalies syndrome 2 (ICF2). Identifiers: Orphanet 2268, MedGen C3279748, MONDO:0013553, OMIM 614069.

Submission:

Labcorp Genetics (formerly Invitae), Labcorp
Classification: Pathogenic for Immunodeficiency-centromeric instability-facial anomalies syndrome 2. Last evaluated: 2023-05-20. Review status: criteria provided, single submitter. Criteria: Invitae Variant Classification Sherloc (09022015). Collection method: clinical testing. Allele origin: germline.
Comment: For these reasons, this variant has been classified as Pathogenic. This variant has not been reported in the literature in individuals affected with ZBTB24-related conditions. This variant is not present in population databases (gnomAD no frequency). This sequence change creates a premature translational stop signal (p.His15Profs*25) in the ZBTB24 gene. It is expected to result in an absent or disrupted protein product. Loss-of-function variants in ZBTB24 are known to be pathogenic (PMID: 21596365).

Literature cited by the submitters: PubMed 21596365.

NM_014797.3(ZBTB24):c.44_50del (p.His15fs)

Gene: ZBTB24 (zinc finger and BTB domain containing 24; minus strand). Cytogenetic location: 6q21.
Variant type: Deletion.
Coding change: c.44_50del on transcript NM_014797.3 (MANE Select); coding-DNA positions 44 to 50, 7 bases deleted (ACTCAGA; older notation c.44_50delACTCAGA).
Protein change: p.His15fs; shifts the reading frame from histidine 15.
Molecular consequence: frameshift variant.
Genome position (GRCh38, 1-based): chr6:109,481,977-109,481,983, TCTGAGT deleted on the plus strand (ACTCAGA on the coding strand, the reverse complement: ZBTB24 is on the minus strand). VCF-style (leftmost placement, unchanged base first): chr6-109481976-GTCTGAGT-G. GRCh37 (hg19) VCF-style: chr6-109803179-GTCTGAGT-G.
Other names: c.44_50del, p.His15fs (NM_001164313.2); short protein forms H15fs.
Identifiers: ClinVar variation 2866507 (VCV002866507.3), dbSNP rs2482883789, ClinGen allele CA2739265939.